The following is an entry in ClinVar:

ClinVar aggregate classification (germline): Uncertain significance. Review status: criteria provided, multiple submitters, no conflicts (2 of 4 stars). 2 submissions from 2 submitters: Uncertain significance (2). Last evaluated 2021-11-21.

Conditions:
Early-onset Parkinson disease 20. Also called: PARKINSON DISEASE 20, AUTOSOMAL RECESSIVE EARLY-ONSET. Identifiers: Orphanet 391411, MedGen C3809824, MONDO:0014233, OMIM 615530.
Developmental and epileptic encephalopathy, 53. Also called: Epileptic encephalopathy, early infantile, 53. Identifiers: MedGen C4479313, MONDO:0033362, OMIM 617389.

Allele frequency attached by ClinVar (database versions not stated): TOPMed below 0.00001; gnomAD exomes 0.00001; ExAC 0.00002.
gnomAD v4.1: 13 of 1,609,612 alleles (0.00081%); highest among the groups gnomAD compares: Admixed American, 0.0017%; no homozygotes.

Submissions (2):

Labcorp Genetics (formerly Invitae), Labcorp
Classification: Uncertain significance for Developmental and epileptic encephalopathy, 53; Early-onset Parkinson disease 20. Last evaluated: 2021-11-21. Review status: criteria provided, single submitter. Criteria: Invitae Variant Classification Sherloc (09022015). Collection method: clinical testing. Allele origin: germline.
Comment: In summary, the available evidence is currently insufficient to determine the role of this variant in disease. Therefore, it has been classified as a Variant of Uncertain Significance. Algorithms developed to predict the effect of missense changes on protein structure and function output the following: SIFT: "Tolerated"; PolyPhen-2: "Benign"; Align-GVGD: "Class C0". The isoleucine amino acid residue is found in multiple mammalian species, which suggests that this missense change does not adversely affect protein function. ClinVar contains an entry for this variant (Variation ID: 1010158). This variant has not been reported in the literature in individuals affected with SYNJ1-related conditions. This variant is present in population databases (rs762956275, gnomAD 0.003%). This sequence change replaces valine, which is neutral and non-polar, with isoleucine, which is neutral and non-polar, at codon 817 of the SYNJ1 protein (p.Val817Ile).

Blueprint Genetics
Classification: Uncertain significance. Last evaluated: 2018-07-03. Review status: criteria provided, single submitter. Criteria: ACMG Guidelines, 2015. Collection method: clinical testing. Allele origin: germline.

NM_203446.3(SYNJ1):c.2332G>A (p.Val778Ile)

Gene: SYNJ1 (synaptojanin 1; minus strand). Cytogenetic location: 21q22.11.
Variant type: single nucleotide variant.
Coding change: c.2332G>A on transcript NM_203446.3 (MANE Select); coding-DNA position 2332, G replaced by A.
Protein change: p.Val778Ile; replaces valine 778 with isoleucine.
Molecular consequence: missense variant.
Genome position (GRCh38, 1-based): chr21:32,657,845, C>T on the plus strand (G>A on the coding strand, the complement: SYNJ1 is on the minus strand). VCF-style: chr21-32657845-C-T. GRCh37 (hg19) VCF-style: chr21-34030155-C-T.
Other names: c.2332G>A, p.Val778Ile (NM_001160302.2); c.2317G>A, p.Val773Ile (NM_001160306.2); c.2449G>A, p.Val817Ile (NM_003895.4); short protein forms V773I, V778I, V817I.
Identifiers: ClinVar variation 1010158 (VCV001010158.6), dbSNP rs762956275, ClinGen allele CA10003679.